The following is an entry in ClinVar:

ClinVar aggregate classification (germline): Uncertain significance (1 of 4 stars; one submission).

gnomAD v4.1: 3 of 1,600,172 alleles (0.00019%); highest among the groups gnomAD compares: Non-Finnish European, 0.00026%; no homozygotes.

Submission:

Ambry Genetics
Classification: Uncertain significance. Last evaluated: 2025-02-03. Review status: criteria provided, single submitter. Criteria: Ambry Variant Classification Scheme 2023. Collection method: clinical testing. Allele origin: germline.
Comment: The p.D1467N variant (also known as c.4399G>A), located in coding exon 19 of the WNK2 gene, results from a G to A substitution at nucleotide position 4399. The aspartic acid at codon 1467 is replaced by asparagine, an amino acid with highly similar properties. This amino acid position is conserved. In addition, this alteration is predicted to be tolerated by in silico analysis. Based on the available evidence, the clinical significance of this variant remains unclear.

NM_006648.4(WNK2):c.4399G>A (p.Asp1467Asn)

Gene: WNK2 (WNK lysine deficient protein kinase 2; plus strand). Cytogenetic location: 9q22.31.
Variant type: single nucleotide variant.
Coding change: c.4399G>A on transcript NM_006648.4 (MANE Select); coding-DNA position 4399, G replaced by A.
Protein change: p.Asp1467Asn; replaces aspartic acid 1467 with asparagine.
Molecular consequence: missense variant.
Genome position (GRCh38, 1-based): chr9:93,289,153, G>A. VCF-style: chr9-93289153-G-A. GRCh37 (hg19) VCF-style: chr9-96051435-G-A.
Other names: c.4510G>A, p.Asp1504Asn (NM_001282394.3); short protein forms D1467N, D1504N.
Identifiers: ClinVar variation 3816987 (VCV003816987.1).